The following is an entry in ClinVar:

ClinVar aggregate classification (germline): Conflicting classifications of pathogenicity. Review status: criteria provided, conflicting classifications (1 of 4 stars). 2 submissions from 2 submitters: Uncertain significance (1); Likely benign (1). Last evaluated 2023-02-06.

Conditions:
Cardiovascular phenotype. Identifiers: MedGen CN230736.
Cardiac arrhythmia. Also called: Arrhythmia; Cardiac rhythm disease. Identifiers: MedGen C0003811, MONDO:0007263, HP:0011675.

Allele frequency attached by ClinVar (database versions not stated): ExAC 0.00001; gnomAD exomes below 0.00001.
gnomAD v4.1: 4 of 1,614,014 alleles (0.00025%); highest among the groups gnomAD compares: Non-Finnish European, 0.00034%; no homozygotes.

Submissions (2):

Color Diagnostics, LLC DBA Color Health
Classification: Uncertain significance for Cardiac arrhythmia. Last evaluated: 2023-02-06. Review status: criteria provided, single submitter. Criteria: ACMG Guidelines, 2015. Collection method: clinical testing. Allele origin: germline.
Comment: This synonymous variant does not change the amino acid sequence of the KCNQ1 protein. Splice prediction tools are inconclusive regarding the impact of this variant on RNA splicing. To our knowledge, RNA studies have not been reported for this variant. This variant has not been reported in individuals affected with KCNQ1-related disorders in the literature. This variant has been identified in 1/251394 chromosomes in the general population by the Genome Aggregation Database (gnomAD). The available evidence is insufficient to determine the role of this variant in disease conclusively. Therefore, this variant is classified as a Variant of Uncertain Significance.

Ambry Genetics
Classification: Likely benign for Cardiovascular phenotype. Last evaluated: 2022-07-27. Review status: criteria provided, single submitter. Criteria: Ambry Variant Classification Scheme 2023. Collection method: clinical testing. Allele origin: germline.

NM_000218.3(KCNQ1):c.960C>T (p.Pro320=)

Gene: KCNQ1 (potassium voltage-gated channel subfamily Q member 1; plus strand). Cytogenetic location: 11p15.5.
Variant type: single nucleotide variant.
Coding change: c.960C>T on transcript NM_000218.3 (MANE Select); coding-DNA position 960, C replaced by T.
Protein change: p.Pro320=; no amino-acid change (proline 320 retained).
Molecular consequence: synonymous variant.
Genome position (GRCh38, 1-based): chr11:2,583,473, C>T. VCF-style: chr11-2583473-C-T. GRCh37 (hg19) VCF-style: chr11-2604703-C-T.
Other names: c.960C>T, p.Pro320= (NM_001406836.1); c.690C>T, p.Pro230= (NM_001406837.1); c.516C>T, p.Pro172= (NM_001406838.1); c.579C>T, p.Pro193= (NM_181798.2).
Identifiers: ClinVar variation 1767557 (VCV001767557.4), dbSNP rs758194213, ClinGen allele CA041816.